The following is an entry in ClinVar:

NM_018486.3(HDAC8):c.134T>C (p.Ile45Thr)

Gene: HDAC8 (histone deacetylase 8; minus strand). Cytogenetic location: Xq13.1.
Variant type: single nucleotide variant.
Coding change: c.134T>C on transcript NM_018486.3 (MANE Select); coding-DNA position 134, T replaced by C.
Protein change: p.Ile45Thr; replaces isoleucine 45 with threonine.
Molecular consequence: missense variant. On other transcripts: non-coding transcript variant (1).
Genome position (GRCh38, 1-based): chrX:72,572,087, A>G on the plus strand (T>C on the coding strand, the complement: HDAC8 is on the minus strand). VCF-style: chrX-72572087-A-G. GRCh37 (hg19) VCF-style: chrX-71791937-A-G.
Other names: c.134T>C, p.Ile45Thr (NM_001166419.2, NM_001166420.2, NM_001166422.2 and 2 more transcripts); short protein forms I45T.
Identifiers: ClinVar variation 1321290 (VCV001321290.3), dbSNP rs2147614771, ClinGen allele CA413576572.

ClinVar aggregate classification (germline): Likely pathogenic (1 of 4 stars; one submission).

Conditions:
Cornelia de Lange syndrome 5 (CDLS5). Also called: HDAC8-Related Cornelia de Lange Syndrome. Identifiers: Orphanet 199, MedGen C3550903, MONDO:0010471, OMIM 300882.

Submission:

3billion
Classification: Likely pathogenic for Cornelia de Lange syndrome 5. Last evaluated: 2024-02-19. Review status: criteria provided, single submitter. Criteria: ACMG Guidelines, 2015. Collection method: clinical testing. Allele origin: germline. Affected: yes.
Comment: The variant is not observed in the gnomAD v2.1.1 dataset. Predicted Consequence/Location: Missense variant In silico tool predictions suggest damaging effect of the variant on gene or gene product [REVEL: 0.84 (>=0.6, sensitivity 0.68 and specificity 0.92); 3Cnet: 0.38 (>=0.6, sensitivity 0.72 and precision 0.9)]. Same nucleotide change resulting in same amino acid change has been previously reported to be associated with HDAC8 related disorder. The variant has been previously reported as assumed de novo in a similarly affected individual (PMID: 37377026). Therefore, this variant is classified as Likely pathogenic according to the recommendation of ACMG/AMP guideline.

Literature cited by the submitters: PubMed 37377026.